The following is an entry in ClinVar:

ClinVar aggregate classification (germline): Conflicting classifications of pathogenicity. Review status: criteria provided, conflicting classifications (1 of 4 stars). 17 submissions from 17 submitters: Uncertain significance (13); Likely benign (3). 1 of the submissions does not count toward it. Last evaluated 2026-08-11.

Conditions:
Familial cancer of breast. Also called: Hereditary breast cancer; hereditary breast carcinoma; BREAST CANCER, FAMILIAL. Identifiers: Orphanet 227535, MedGen C0346153, MONDO:0016419, OMIM 114480. Disease mechanism: loss of function.
Colorectal cancer. Also called: Colorectal cancer, somatic; Malignant Colorectal Neoplasm. Identifiers: MedGen C0346629, MONDO:0005575, OMIM 114500.
CHEK2-related cancer predisposition (TPDS4). Also called: TUMOR PREDISPOSITION SYNDROME 4; CANCER PREDISPOSITION SYNDROME, CHEK2-RELATED; CHEK2-related cancer susceptibility. Identifiers: Orphanet 524, MedGen C5882668, MONDO:0700271, OMIM 609265.
Bone osteosarcoma. Also called: Osteosarcoma, somatic. Identifiers: Orphanet 668, MedGen C0585442, MONDO:0002629, OMIM 259500.
Prostate cancer. Also called: Malignant tumor of prostate. Identifiers: Orphanet 1331, MedGen C0376358, MONDO:0008315, HP:0012125.
Hereditary nonpolyposis colon cancer (HNPCC). Also called: Hereditary nonpolyposis colorectal cancer; Familial nonpolyposis colon cancer; Hereditary Nonpolyposis Colorectal Cancer Syndrome. Identifiers: Orphanet 443909, MedGen C1333990, MONDO:0018630. Disease mechanism: loss of function.
Hereditary cancer-predisposing syndrome. Also called: Tumor predisposition; Hereditary neoplastic syndrome; Hereditary Cancer Syndrome; Neoplastic Syndromes, Hereditary. Identifiers: Orphanet 140162, MedGen C0027672, MeSH D009386, MONDO:0015356.
Hereditary breast ovarian cancer syndrome. Also called: Hereditary breast and ovarian cancer; Hereditary breast and/or ovarian cancer syndrome; BRCA1- and BRCA2-Associated Hereditary Breast and Ovarian Cancer; Hereditary breast and ovarian cancer syndrome (HBOC); Hereditary breast and ovarian cancer syndrome; Breast and ovarian cancer. Identifiers: Orphanet 145, MedGen C0677776, MeSH D061325, MONDO:0003582. Disease mechanism: loss of function.

Allele frequency attached by ClinVar (database versions not stated): gnomAD exomes 0.00001 and 0.00003; gnomAD 0.00002; TOPMed 0.00002; ExAC 0.00003.
gnomAD v4.1: 21 of 1,613,922 alleles (0.0013%); highest among the groups gnomAD compares: Middle Eastern, 0.082%; no homozygotes.

Submissions 1 to 10 of 17:

German Consortium for Hereditary Breast and Ovarian Cancer, University Hospital Cologne
Classification: Likely benign for Hereditary breast ovarian cancer syndrome. Last evaluated: 2026-08-11. Review status: criteria provided, single submitter. Criteria: ACMG SVI. Collection method: curation. Allele origin: germline.
Comment: This classification follows the ACMG SVI adaptation classification scheme; We chose these criteria: BP4 (supporting benign): Splice AI: 0.0 REVEL: 0.112, BS3 (supporting benign): Stolarova at al., 2023: CHK2: WT KAP1: IM + Delimtsou et al., 2019: benign+McCarthy-Leo et al., 2024: Tolerated + Gebbia et al., 2024: Benign Supporting;

Women's Health and Genetics/Laboratory Corporation of America, LabCorp
Classification: Uncertain significance. Last evaluated: 2025-12-15. Review status: criteria provided, single submitter. Criteria: LabCorp Variant Classification Summary - May 2015. Collection method: clinical testing. Allele origin: germline.
Comment: Variant summary: CHEK2 c.931G>A (p.Asp311Asn) results in a conservative amino acid change located in the Protein kinase domain (IPR000719) of the encoded protein sequence. Algorithms developed to predict the effect of missense changes on protein structure and function are either unavailable or do not agree on the potential impact of this missense change. The variant allele was found at a frequency of 3.2e-05 in 251414 control chromosomes. The available data on variant occurrences in the general population are insufficient to allow any conclusion about variant significance.c.931G>A has been reported in the literature as a VUS in settings of single/multigene panel testing among individuals affected with breast/ovarian cancer (example, Le Calvez-Kelm_2011, Tung_2015, Tung_2016, Bono_2021). These reports do not provide unequivocal conclusions about association of the variant with Hereditary Breast And Ovarian Cancer Syndrome. At least one publication reports experimental evidence evaluating an impact on protein function. These results showed no damaging effect of this variant based on the ability to repair methyl-methanesulfonate (MMS) induced DNA damage and resume cell growth and proliferation in a yeast based functional assay (Delimtsou_2019). The following publications have been ascertained in the context of this evaluation (PMID: 21244692, 25186627, 26976419, 30851065, 34371384). ClinVar contains an entry for this variant (Variation ID: 142266). Based on the evidence outlined above, the variant was classified as uncertain significance.

Labcorp Genetics (formerly Invitae), Labcorp
Classification: Uncertain significance for Familial cancer of breast. Last evaluated: 2025-10-18. Review status: criteria provided, single submitter. Criteria: Invitae Variant Classification Sherloc (09022015). Collection method: clinical testing. Allele origin: germline.
Comment: This sequence change replaces aspartic acid, which is acidic and polar, with asparagine, which is neutral and polar, at codon 311 of the CHEK2 protein (p.Asp311Asn). This variant is present in population databases (rs587782347, gnomAD 0.005%). This missense change has been observed in individual(s) with breast cancer and/or ovarian cancer (PMID: 21244692, 25186627, 26976419, 34371384). This variant is also known as c.1060G>A p.Asp354Asn. ClinVar contains an entry for this variant (Variation ID: 142266). An algorithm developed to predict the effect of missense changes on protein structure and function (PolyPhen-2) suggests that this variant is likely to be tolerated. Experimental studies have shown that this missense change does not substantially affect CHEK2 function (PMID: 30851065). In summary, the available evidence is currently insufficient to determine the role of this variant in disease. Therefore, it has been classified as a Variant of Uncertain Significance.

Color Diagnostics, LLC DBA Color Health
Classification: Uncertain significance for Hereditary cancer-predisposing syndrome. Last evaluated: 2025-05-13. Review status: criteria provided, single submitter. Criteria: ACMG Guidelines, 2015. Collection method: clinical testing. Allele origin: germline.
Comment: This missense variant replaces aspartic acid with asparagine at codon 311 of the CHEK2 protein. Computational prediction tools and conservation analyses suggest that this variant may not impact protein structure and function. Experimental studies of DNA damage repair in yeast have not demonstrated a damaging effect of this variant (PMID: 30851065). This variant has been reported in individuals affected with hereditary breast cancer in the literature (PMID: 21244692, 26976419, 33471991). This variant has been identified in 8/251414 chromosomes in the general population by the Genome Aggregation Database (gnomAD). The available evidence is insufficient to determine the role of this variant in disease conclusively. Therefore, this variant is classified as a Variant of Uncertain Significance.

Center for Genomic Medicine, Rigshospitalet, Copenhagen University Hospital
Classification: Uncertain significance. Last evaluated: 2025-03-04. Review status: criteria provided, single submitter. Criteria: ACMG Guidelines, 2015. Collection method: clinical testing. Allele origin: germline.

Ambry Genetics
Classification: Likely benign for Hereditary cancer-predisposing syndrome. Last evaluated: 2025-02-26. Review status: criteria provided, single submitter. Criteria: Ambry Variant Classification Scheme 2023. Collection method: clinical testing. Allele origin: germline.

GeneDx
Classification: Uncertain significance. Last evaluated: 2025-01-13. Review status: criteria provided, single submitter. Criteria: GeneDx Variant Classification Process June 2021. Collection method: clinical testing. Allele origin: germline. Affected: yes.
Comment: Observed in individuals with breast cancer (PMID: 21244692, 26976419); Published functional studies demonstrate no damaging effect: classified as having a benign effect based on in vivo yeast-based assays (PMID: 30851065); Not observed at significant frequency in large population cohorts (gnomAD); In silico analysis supports that this missense variant has a deleterious effect on protein structure/function; This variant is associated with the following publications: (PMID: 21244692, 26976419, 26787654, 33471991, 19782031, 22419737, 30851065)

CeGaT Center for Human Genetics Tuebingen
Classification: Likely benign. Last evaluated: 2024-04-01. Review status: criteria provided, single submitter. Criteria: CeGaT Center For Human Genetics Tuebingen Variant Classification Criteria Version 2. Collection method: clinical testing. Allele origin: germline. Affected: yes. Observed: 1 variant allele.
Comment: CHEK2: BP1, BP4, BS3:Supporting

Quest Diagnostics Nichols Institute San Juan Capistrano
Classification: Uncertain significance. Last evaluated: 2024-03-29. Review status: criteria provided, single submitter. Criteria: Quest Diagnostics criteria. Collection method: clinical testing. Allele origin: unknown.
Comment: The CHEK2 c.931G>A (p.Asp311Asn) variant has been reported in the published literature in individuals with breast cancer (PMIDs: 26976419 (2016)21244692 (2011)) as well as in a breast cancer case and a reportedly healthy individual in a large-scale breast cancer association study (PMID: 33471991 (2021), see also LOVD). Additionally, a functional study have reported inconclusive results on the effect this variant has on protein function (PMID: 30851065 (2019)). The frequency of this variant in the general population, 0.000062 (7/113748 chromosomes (Genome Aggregation Database)), is uninformative in the assessment of its pathogenicity. Analysis of this variant using bioinformatics tools for the prediction of the effect of amino acid changes on protein structure and function yielded predictions that this variant is benign. Based on the available information, we are unable to determine the clinical significance of this variant.

Baylor Genetics
Classification: Uncertain significance for Familial cancer of breast. Last evaluated: 2024-03-19. Review status: criteria provided, single submitter. Criteria: ACMG Guidelines, 2015. Collection method: clinical testing. Allele origin: unknown.

NM_007194.4(CHEK2):c.931G>A (p.Asp311Asn)

Gene: CHEK2 (checkpoint kinase 2; minus strand). Cytogenetic location: 22q12.1.
Variant type: single nucleotide variant.
Coding change: c.931G>A on transcript NM_007194.4 (MANE Select); coding-DNA position 931, G replaced by A.
Protein change: p.Asp311Asn; replaces aspartic acid 311 with asparagine.
Molecular consequence: missense variant.
Genome position (GRCh38, 1-based): chr22:28,699,915, C>T on the plus strand (G>A on the coding strand, the complement: CHEK2 is on the minus strand). VCF-style: chr22-28699915-C-T. GRCh37 (hg19) VCF-style: chr22-29095903-C-T.
Other names: p.D311N:GAC>AAC; c.730G>A, p.Asp244Asn (NM_001349956.3); c.931G>A, p.Asp311Asn (NM_145862.3); c.1060G>A, p.Asp354Asn (NM_001005735.3); c.268G>A, p.Asp90Asn (NM_001257387.3); short protein forms D311N, D354N, D244N, D90N.
Identifiers: ClinVar variation 142266 (VCV000142266.61), dbSNP rs587782347, ClinGen allele CA294339.